The following is an entry in ClinVar:

NM_001135649.3(FOXI3):c.614A>T (p.Lys205Met)

Gene: FOXI3 (forkhead box I3; minus strand). Cytogenetic location: 2p11.2.
Variant type: single nucleotide variant.
Coding change: c.614A>T on transcript NM_001135649.3 (MANE Select); coding-DNA position 614, A replaced by T.
Protein change: p.Lys205Met; replaces lysine 205 with methionine.
Molecular consequence: missense variant.
Genome position (GRCh38, 1-based): chr2:88,451,922, T>A on the plus strand (A>T on the coding strand, the complement: FOXI3 is on the minus strand). VCF-style: chr2-88451922-T-A. GRCh37 (hg19) VCF-style: chr2-88751441-T-A.
Other names: short protein forms K205M.
Identifiers: ClinVar variation 4778381 (VCV004778381.1).

ClinVar aggregate classification (germline): Uncertain significance (1 of 4 stars; one submission).

Submission:

Labcorp Genetics (formerly Invitae), Labcorp
Classification: Uncertain significance. Last evaluated: 2025-11-21. Review status: criteria provided, single submitter. Criteria: Invitae Variant Classification Sherloc (09022015). Collection method: clinical testing. Allele origin: germline.
Comment: This sequence change replaces lysine, which is basic and polar, with methionine, which is neutral and non-polar, at codon 205 of the FOXI3 protein (p.Lys205Met). This variant is not present in population databases (gnomAD no frequency). This variant has not been reported in the literature in individuals affected with FOXI3-related conditions. Experimental studies and prediction algorithms are not available or were not evaluated, and the functional significance of this variant is currently unknown. In summary, the available evidence is currently insufficient to determine the role of this variant in disease. Therefore, it has been classified as a Variant of Uncertain Significance.